The following is an entry in ClinVar:

ClinVar aggregate classification (germline): Uncertain significance. Review status: criteria provided, multiple submitters, no conflicts (2 of 4 stars). 2 submissions from 2 submitters: Uncertain significance (2). Last evaluated 2026-03-05.

Conditions:
Inborn genetic diseases. Identifiers: MedGen C0950123, MeSH D030342.

gnomAD v4.1: 19 of 1,614,052 alleles (0.0012%); highest among the groups gnomAD compares: Admixed American, 0.0017%; no homozygotes.

Submissions (2):

GeneDx
Classification: Uncertain significance. Last evaluated: 2026-03-05. Review status: criteria provided, single submitter. Criteria: GeneDx Variant Classification Process June 2021. Collection method: clinical testing. Allele origin: germline.
Comment: Not observed at significant frequency in large population cohorts (gnomAD); In silico analysis suggests that this missense variant does not alter protein structure/function; Has not been previously published as pathogenic or benign to our knowledge

Ambry Genetics
Classification: Uncertain significance for Inborn genetic diseases. Last evaluated: 2025-11-20. Review status: criteria provided, single submitter. Criteria: Ambry Variant Classification Scheme 2023. Collection method: clinical testing. Allele origin: germline.

NM_001039141.3(TRIOBP):c.5399C>T (p.Thr1800Ile)

Genes: TRIOBP (TRIO and F-actin binding protein; plus strand), LOC126863145 (CDK7 strongly-dependent group 2 enhancer GRCh37_chr22:38150829-38152028; plus strand). Cytogenetic location: 22q13.1.
Variant type: single nucleotide variant.
Coding change: c.5399C>T on transcript NM_001039141.3 (MANE Select); coding-DNA position 5399, C replaced by T.
Protein change: p.Thr1800Ile; replaces threonine 1800 with isoleucine.
Molecular consequence: missense variant.
Genome position (GRCh38, 1-based): chr22:37,754,896, C>T. VCF-style: chr22-37754896-C-T. GRCh37 (hg19) VCF-style: chr22-38150903-C-T.
Other names: c.260C>T, p.Thr87Ile (NM_007032.5, NM_138632.2); short protein forms T1800I, T87I.
Identifiers: ClinVar variation 4633606 (VCV004633606.2).